The following is an entry in ClinVar:

ClinVar aggregate classification (germline): Likely benign (0 of 4 stars; one submission).

Conditions:
AP4S1-related disorder.

gnomAD v4.1: 2 of 1,548,134 alleles (0.00013%); highest among the groups gnomAD compares: Admixed American, 0.002%; no homozygotes.

Submission:

PreventionGenetics, part of Exact Sciences
Classification: Likely benign for AP4S1-related condition. Last evaluated: 2019-09-04. Review status: no assertion criteria provided. Collection method: clinical testing. Allele origin: germline.
Comment: This variant is classified as likely benign based on ACMG/AMP sequence variant interpretation guidelines (Richards et al. 2015 PMID: 25741868, with internal and published modifications).

NM_001128126.3(AP4S1):c.403C>T (p.Leu135=)

Gene: AP4S1 (adaptor related protein complex 4 subunit sigma 1; plus strand). Cytogenetic location: 14q12.
Variant type: single nucleotide variant.
Coding change: c.403C>T on transcript NM_001128126.3 (MANE Select); coding-DNA position 403, C replaced by T.
Protein change: p.Leu135=; no amino-acid change (leucine 135 retained).
Molecular consequence: synonymous variant.
Genome position (GRCh38, 1-based): chr14:31,093,003, C>T. VCF-style: chr14-31093003-C-T. GRCh37 (hg19) VCF-style: chr14-31562209-C-T.
Other names: c.403C>T, p.Leu135= (NM_001254728.2, NM_001254729.2).
Identifiers: ClinVar variation 3053508 (VCV003053508.2), dbSNP rs915512149, ClinGen allele CA485839217.
Genomic context (GRCh38, chr14:31,093,003, plus strand): 5'-GATGAGATGGTGTTAAATGGCTGCATTGTGGAAACTAACAGGGCAAGAATTCTTGCCCCT[C>T]TACTAATTCTTGATAAGATGTCAGAAAGCTGAAAGGAAGTCTCTTCGAGACAATATGGAT-3'
Protein context (NP_001121598.1, residues 125-144): ETNRARILAP[Leu135=]LILDKMSES